The following is an entry in ClinVar:

ClinVar aggregate classification (germline): Uncertain significance (1 of 4 stars; one submission).

Submission:

Labcorp Genetics (formerly Invitae), Labcorp
Classification: Uncertain significance. Last evaluated: 2021-10-29. Review status: criteria provided, single submitter. Criteria: Invitae Variant Classification Sherloc (09022015). Collection method: clinical testing. Allele origin: germline.
Comment: This variant is a gross deletion of the genomic region encompassing exon(s) 7 of the DCX gene, which includes the termination codon. This deletion extends beyond the assayed region for this gene and therefore may encompass additional genes. While this deletion is not anticipated to lead to nonsense mediated decay, it is expected to alter mRNA translation or result in a truncated protein product. A similar copy number variant has been observed in individual(s) with clinical features of lissencephaly and subcortical band heterotopia (Invitae). In summary, the available evidence is currently insufficient to determine the role of this variant in disease. Therefore, it has been classified as a Variant of Uncertain Significance.

NC_000023.10:g.(?_110544915)_(110544991_?)del

Gene: DCX (doublecortin; minus strand). Cytogenetic location: Xq23.
Variant type: Deletion.
Identifiers: ClinVar variation 2427567 (VCV002427567.2).